The following is an entry in ClinVar:

NM_002693.3(POLG):c.3643+2T>C

Gene: POLG (DNA polymerase gamma, catalytic subunit; minus strand). Cytogenetic location: 15q26.1.
Variant type: single nucleotide variant.
Coding change: c.3643+2T>C on transcript NM_002693.3 (MANE Select); the canonical splice donor site of the intron after coding-DNA position 3643, T replaced by C.
Molecular consequence: splice donor variant.
Genome position (GRCh38, 1-based): chr15:89,317,374, A>G on the plus strand (T>C on the coding strand, the complement: POLG is on the minus strand). VCF-style: chr15-89317374-A-G. GRCh37 (hg19) VCF-style: chr15-89860605-A-G.
Other names: c.3643+2T>C (NM_002693.2, NM_001126131.2).
Identifiers: ClinVar variation 597808 (VCV000597808.15), dbSNP rs1335880349, ClinGen allele CA393747166.

ClinVar aggregate classification (germline): Pathogenic. Review status: reviewed by expert panel (3 of 4 stars). 4 submissions from 4 submitters: Pathogenic (1). 3 of the submissions do not count toward it. Last evaluated 2021-05-06.

Conditions:
Progressive sclerosing poliodystrophy (MTDPS4A). Also called: ALPERS PROGRESSIVE INFANTILE POLIODYSTROPHY; Alpers Syndrome; Alpers-Huttenlocher Syndrome; Mitochondrial DNA Depletion Syndrome 4A; Alpers-Huttenlocher Syndrome (AHS); NEURONAL DEGENERATION OF CHILDHOOD WITH LIVER DISEASE, PROGRESSIVE. Identifiers: Orphanet 726, MedGen C0205710, MONDO:0008758, OMIM 203700.
Mitochondrial disease. Also called: Mitochondrial disorders; Mitochondrial disorder. Identifiers: Orphanet 68380, MedGen C0751651, MeSH D028361, MONDO:0044970.
Sensory ataxic neuropathy, dysarthria, and ophthalmoparesis (SANDO). Also called: SENSORY ATAXIC NEUROPATHY WITH MITOCHONDRIAL DNA DELETIONS, AUTOSOMAL RECESSIVE; Ataxia Neuropathy Spectrum (ANS); Epilepsy, progressive myoclonic, type 5; Sensory ataxic neuropathy-dysarthria-ophthalmoparesis syndrome. Identifiers: Orphanet 70595, MedGen C1843851, MONDO:0011835, OMIM 607459.
Mitochondrial DNA depletion syndrome 1. Also called: Mitochondrial neurogastrointestinal encephalomyopathy syndrome; MNGIE, TYMP-RELATED; POLIP SYNDROME; POLYNEUROPATHY, OPHTHALMOPLEGIA, LEUKOENCEPHALOPATHY, AND INTESTINAL PSEUDOOBSTRUCTION; Mitochondrial DNA depletion syndrome 1 (MNGIE type); Mitochondrial Neurogastrointestinal Encephalopathy Disease. Identifiers: Orphanet 298, MedGen C4551995, MONDO:0011283, OMIM 603041.
Mitochondrial DNA depletion syndrome 4b. Also called: Mitochondrial Neurogastrointestinal Encephalopathy Disease, POLG-Related; MNGIE, POLG-RELATED. Identifiers: Orphanet 298, MedGen C3150914, MONDO:0013350, OMIM 613662.
Progressive external ophthalmoplegia with mitochondrial DNA deletions, autosomal dominant 1 (PEOA1). Also called: Autosomal Dominant Progressive External Ophthalmoplegia (adPEO); PROGRESSIVE EXTERNAL OPHTHALMOPLEGIA, AUTOSOMAL DOMINANT 1. Identifiers: MedGen C1834846, MONDO:0024528, OMIM 157640.
Progressive external ophthalmoplegia with mitochondrial DNA deletions, autosomal recessive 1 (PEOB1). Also called: Autosomal Recessive Progressive External Ophthalmoplegia (arPEO); Progressive external ophthalmoplegia, autosomal recessive 1. Identifiers: Orphanet 254886, MedGen C4225153, MONDO:0009783, OMIM 258450.

Allele frequency attached by ClinVar (database versions not stated): gnomAD exomes below 0.00001.
gnomAD v4.1: 6 of 1,613,830 alleles (0.00037%); highest among the groups gnomAD compares: Non-Finnish European, 0.00051%; no homozygotes.

Submissions (4):

ClinGen Mitochondrial Disease Nuclear and Mitochondrial  Variant Curation Expert Panel, ClinGen
Classification: Pathogenic for Mitochondrial disease. Last evaluated: 2021-05-06. Review status: reviewed by expert panel. Criteria: ClinGen Mito Disease ACMG Specifications v1. Collection method: curation. Allele origin: germline. Inheritance: Autosomal recessive inheritance.
Comment: The c.3643+2T>C variant in POLG has been reported in trans with other another pathogenic variant (p.Trp784Ser) in a child with Alpers syndrome (PM3; PMID: 20691285). This variant was found at 0.00001% allele frequency in gnomAD and no homozygotes reported (PM2). This variant affects a donor splice site causing complete skipping of exon 22, resulting in disruptions in mRNA (PVS1; PMID 20691285). In summary, this variant meets criteria to be classified as pathogenic for mitochondrial disease inherited in an autosomal recessive manner. ntDNA ACMG/AMP criteria for POLG applied: PVS1, PM2, PM3.

Labcorp Genetics (formerly Invitae), Labcorp
Classification: Pathogenic for Progressive sclerosing poliodystrophy. Last evaluated: 2023-11-21. Review status: criteria provided, single submitter. Criteria: Invitae Variant Classification Sherloc (09022015). Collection method: clinical testing. Allele origin: germline. Not counted in ClinVar's aggregate classification.
Comment: This sequence change affects a donor splice site in intron 22 of the POLG gene. RNA analysis indicates that disruption of this splice site induces altered splicing and likely disrupts the C-terminus of the protein. This variant is present in population databases (no rsID available, gnomAD 0.0009%). Disruption of this splice site has been observed in individual(s) with POLG-related conditions (PMID: 19500334, 20691285). In at least one individual the data is consistent with being in trans (on the opposite chromosome) from a pathogenic variant. ClinVar contains an entry for this variant (Variation ID: 597808). Variants that disrupt the consensus splice site are a relatively common cause of aberrant splicing (PMID: 17576681, 9536098). Studies have shown that disruption of this splice site results in skipping of exon 22 and introduces a new termination codon (PMID: 20691285). However the mRNA is not expected to undergo nonsense-mediated decay. For these reasons, this variant has been classified as Pathogenic.

Fulgent Genetics
Classification: Pathogenic for Progressive external ophthalmoplegia with mitochondrial DNA deletions, autosomal dominant 1; Progressive sclerosing poliodystrophy; Progressive external ophthalmoplegia with mitochondrial DNA deletions, autosomal recessive 1; Mitochondrial DNA depletion syndrome 1; Sensory ataxic neuropathy, dysarthria, and ophthalmoparesis; Mitochondrial DNA depletion syndrome 4b. Last evaluated: 2021-10-28. Review status: criteria provided, single submitter. Criteria: ACMG Guidelines, 2015. Collection method: clinical testing. Allele origin: unknown. Not counted in ClinVar's aggregate classification.

Eurofins Ntd Llc (ga)
Classification: Pathogenic. Last evaluated: 2018-06-25. Review status: criteria provided, single submitter. Criteria: EGL ClinVar v180209 classification definitions. Collection method: clinical testing. Allele origin: germline. Observed: 1 variant allele, 1 heterozygote. Not counted in ClinVar's aggregate classification.

Literature cited by the submitters: PubMed 19500334 (cited by Labcorp Genetics (formerly Invitae), Labcorp); PubMed 20691285 (cited by Labcorp Genetics (formerly Invitae), Labcorp); PubMed 17576681 (cited by Labcorp Genetics (formerly Invitae), Labcorp); PubMed 9536098 (cited by Labcorp Genetics (formerly Invitae), Labcorp).